The following is an entry in ClinVar:

NM_005560.6(LAMA5):c.1512C>T (p.Asn504=)

Gene: LAMA5 (laminin subunit alpha 5; minus strand). Cytogenetic location: 20q13.33.
Variant type: single nucleotide variant.
Coding change: c.1512C>T on transcript NM_005560.6 (MANE Select); coding-DNA position 1512, C replaced by T.
Protein change: p.Asn504=; no amino-acid change (asparagine 504 retained).
Molecular consequence: synonymous variant.
Genome position (GRCh38, 1-based): chr20:62,338,574, G>A on the plus strand (C>T on the coding strand, the complement: LAMA5 is on the minus strand). VCF-style: chr20-62338574-G-A. GRCh37 (hg19) VCF-style: chr20-60913630-G-A.
Other names: c.1512C>T (NM_005560.4).
Identifiers: ClinVar variation 2073104 (VCV002073104.6), dbSNP rs142723423, ClinGen allele CA9943879.

ClinVar aggregate classification (germline): Likely benign. Review status: criteria provided, single submitter (1 of 4 stars). 2 submissions from 2 submitters: Likely benign (1). 1 of the submissions does not count toward it. Last evaluated 2024-12-29.

Conditions:
LAMA5-related disorder. Also called: LAMA5-related condition; LAMA5-Related Disorders.

Allele frequency attached by ClinVar (database versions not stated): TOPMed 0.00017; ESP Exome Variant Server 0.00023; ExAC 0.00015; gnomAD 0.00015; 1000 Genomes Project 0.00020; gnomAD exomes 0.00023; 1000 Genomes Project 30x 0.00031.
gnomAD v4.1: 351 of 1,611,028 alleles (0.022%); highest among the groups gnomAD compares: Non-Finnish European, 0.027%; no homozygotes.

Submissions (2):

Labcorp Genetics (formerly Invitae), Labcorp
Classification: Likely benign. Last evaluated: 2024-12-29. Review status: criteria provided, single submitter. Criteria: Invitae Variant Classification Sherloc (09022015). Collection method: clinical testing. Allele origin: germline.

PreventionGenetics, part of Exact Sciences
Classification: Likely benign for LAMA5-related condition. Last evaluated: 2019-12-11. Review status: no assertion criteria provided. Collection method: clinical testing. Allele origin: germline. Not counted in ClinVar's aggregate classification.
Comment: This variant is classified as likely benign based on ACMG/AMP sequence variant interpretation guidelines (Richards et al. 2015 PMID: 25741868, with internal and published modifications).